The following is an entry in ClinVar:

ClinVar aggregate classification (germline): Uncertain significance (1 of 4 stars; one submission).

gnomAD v4.1: 1 of 1,598,216 alleles (0.000063%); highest among the groups gnomAD compares: African/African-American, 0.0013%; no homozygotes.

Submission:

Labcorp Genetics (formerly Invitae), Labcorp
Classification: Uncertain significance. Last evaluated: 2023-10-13. Review status: criteria provided, single submitter. Criteria: Invitae Variant Classification Sherloc (09022015). Collection method: clinical testing. Allele origin: germline.
Comment: This sequence change affects codon 52 of the DIP2C mRNA. It is a 'silent' change, meaning that it does not change the encoded amino acid sequence of the DIP2C protein. It affects a nucleotide within the consensus splice site. This variant is present in population databases (no rsID available, gnomAD 0.007%). This variant has not been reported in the literature in individuals affected with DIP2C-related conditions. Algorithms developed to predict the effect of sequence changes on RNA splicing suggest that this variant is not likely to affect RNA splicing. In summary, the available evidence is currently insufficient to determine the role of this variant in disease. Therefore, it has been classified as a Variant of Uncertain Significance.

NM_014974.3(DIP2C):c.156G>C (p.Pro52=)

Gene: DIP2C (DIP2 acetate--CoA ligase C (putative); minus strand). Cytogenetic location: 10p15.3.
Variant type: single nucleotide variant.
Coding change: c.156G>C on transcript NM_014974.3 (MANE Select); coding-DNA position 156, G replaced by C.
Protein change: p.Pro52=; no amino-acid change (proline 52 retained).
Molecular consequence: synonymous variant.
Genome position (GRCh38, 1-based): chr10:486,460, C>G on the plus strand (G>C on the coding strand, the complement: DIP2C is on the minus strand). VCF-style: chr10-486460-C-G. GRCh37 (hg19) VCF-style: chr10-532400-C-G.
Identifiers: ClinVar variation 2706082 (VCV002706082.3), dbSNP rs753310455, ClinGen allele CA467919937.